The following is an entry in ClinVar:

NM_004187.5(KDM5C):c.2000A>C (p.His667Pro)

Gene: KDM5C (lysine demethylase 5C; minus strand). Cytogenetic location: Xp11.22.
Variant type: single nucleotide variant.
Coding change: c.2000A>C on transcript NM_004187.5 (MANE Select); coding-DNA position 2000, A replaced by C.
Protein change: p.His667Pro; replaces histidine 667 with proline.
Molecular consequence: missense variant. On other transcripts: non-coding transcript variant (3).
Genome position (GRCh38, 1-based): chrX:53,201,611, T>G on the plus strand (A>C on the coding strand, the complement: KDM5C is on the minus strand). VCF-style: chrX-53201611-T-G. GRCh37 (hg19) VCF-style: chrX-53230793-T-G.
Other names: c.1799A>C, p.His600Pro (NM_001146702.2); c.1997A>C, p.His666Pro (NM_001282622.3, NM_001353979.2, NM_001353982.2); c.2000A>C, p.His667Pro (NM_001353978.3, NM_001353981.2, NM_001353984.2); short protein forms H600P, H666P, H667P.
Identifiers: ClinVar variation 1809831 (VCV001809831.1), dbSNP rs1556841781, ClinGen allele CA413123018.

ClinVar aggregate classification (germline): Uncertain significance (1 of 4 stars; one submission).

Submission:

GeneDx
Classification: Uncertain significance. Last evaluated: 2022-06-27. Review status: criteria provided, single submitter. Criteria: GeneDx Variant Classification Process June 2021. Collection method: clinical testing. Allele origin: germline. Affected: yes.
Comment: Not observed at significant frequency in large population cohorts (gnomAD); In silico analysis supports that this missense variant has a deleterious effect on protein structure/function; Has not been previously published as pathogenic or benign to our knowledge